The following is an entry in ClinVar:

NM_152263.4(TPM3):c.723G>C (p.Glu241Asp)

Gene: TPM3 (tropomyosin 3; minus strand). Cytogenetic location: 1q21.3.
Variant type: single nucleotide variant.
Coding change: c.723G>C on transcript NM_152263.4 (MANE Select); coding-DNA position 723, G replaced by C.
Protein change: p.Glu241Asp; replaces glutamic acid 241 with aspartic acid.
Molecular consequence: missense variant. On other transcripts: non-coding transcript variant (1).
Genome position (GRCh38, 1-based): chr1:154,170,452, C>G on the plus strand (G>C on the coding strand, the complement: TPM3 is on the minus strand). VCF-style: chr1-154170452-C-G. GRCh37 (hg19) VCF-style: chr1-154142928-C-G.
Other names: c.612G>C, p.Glu204Asp (NM_001043351.2, NM_001043352.2, NM_001043353.2 and 4 more transcripts); c.414G>C, p.Glu138Asp (NM_001278188.2); c.549G>C, p.Glu183Asp (NM_001278190.2); c.342G>C, p.Glu114Asp (NM_001278191.2); c.723G>C, p.Glu241Asp (NM_001364679.2, NM_001364680.2, NM_001364681.2 and 1 more transcripts); short protein forms E114D, E138D, E183D, E204D, E241D.
Identifiers: ClinVar variation 3068321 (VCV003068321.1), dbSNP rs2525997341, ClinGen allele CA342582930.
Genomic context (GRCh38, chr1:154,170,452, plus strand): 5'-TTCCATACCTTCCAGGTCATCAATTGTCTTTTCCAGCTTGGCTACCGATCTCTCAGCAAA[C>G]TCAGCACGGGTCTCTGCCTGGGGGAAATATGAAATTAGTCAGAACCAGAGATGAAGACAA-3'
Protein context (NP_689476.2, residues 231-251): DKLKEAETRA[Glu241Asp]FAERSVAKLE

ClinVar aggregate classification (germline): Uncertain significance (1 of 4 stars; one submission).

Conditions:
Congenital myopathy 4A, autosomal dominant (CMYO4A). Identifiers: MedGen CN178536, MONDO:0800341, OMIM 255310.

Submission:

MVZ Medizinische Genetik Mainz
Classification: Uncertain significance for Congenital myopathy 4A, autosomal dominant. Last evaluated: 2022-05-10. Review status: criteria provided, single submitter. Criteria: UK Practice Guidelines For Variant Classification V4 01 2020. Collection method: clinical testing. Allele origin: germline. Inheritance: Autosomal dominant inheritance. Affected: yes. Observed: 1 variant allele.
Comment: ACMG Criteria: PM5,PP3_MOD,PM2_SUP